The following is an entry in ClinVar:

NM_001347721.2(DYRK1A):c.506A>G (p.Asp169Gly)

Gene: DYRK1A (dual specificity tyrosine phosphorylation regulated kinase 1A; plus strand). Cytogenetic location: 21q22.13.
Variant type: single nucleotide variant.
Coding change: c.506A>G on transcript NM_001347721.2 (MANE Select); coding-DNA position 506, A replaced by G.
Protein change: p.Asp169Gly; replaces aspartic acid 169 with glycine.
Molecular consequence: missense variant.
Genome position (GRCh38, 1-based): chr21:37,486,483, A>G. VCF-style: chr21-37486483-A-G. GRCh37 (hg19) VCF-style: chr21-38858785-A-G.
Other names: c.506A>G, p.Asp169Gly (NM_001347722.2, NM_130436.2); c.419A>G, p.Asp140Gly (NM_001347723.2); c.533A>G, p.Asp178Gly (NM_001396.5, NM_101395.2, NM_130438.2); short protein forms D178G, D140G, D169G.
Identifiers: ClinVar variation 430259 (VCV000430259.3), dbSNP rs1131691866, ClinGen allele CA409945574.

ClinVar aggregate classification (germline): Likely pathogenic. Review status: criteria provided, multiple submitters, no conflicts (2 of 4 stars). 2 submissions from 2 submitters: Likely pathogenic (2). Last evaluated 2024-02-02.

Conditions:
DYRK1A-related intellectual disability syndrome (MRD7). Also called: DYRK1A Syndrome; Intellectual developmental disorder, autosomal dominant 7. Identifiers: Orphanet 464306, MedGen C5568143, MONDO:0013578, OMIM 614104.

Submissions (2):

Institute of Immunology and Genetics Kaiserslautern
Classification: Likely pathogenic for DYRK1A-related intellectual disability syndrome. Last evaluated: 2024-02-02. Review status: criteria provided, single submitter. Criteria: ACMG Guidelines, 2015. Collection method: clinical testing. Allele origin: de novo. Affected: yes.
Comment: ACMG Criteria: PS2, PM2, PP3, PP5; Variant was found in heterozygous state

GeneDx
Classification: Likely pathogenic. Last evaluated: 2015-11-11. Review status: criteria provided, single submitter. Criteria: GeneDx Variant Classification (06012015). Collection method: clinical testing. Allele origin: germline. Affected: yes.
Comment: The D178G variant in the DYRK1A gene has not been reported previously as a pathogenic variant, nor as a benign variant, to our knowledge. The D178G variant was not observed in approximately 6,500 individuals of European and African American ancestry in the NHLBI Exome Sequencing Project, indicating it is not a common benign variant in these populations. The D178G variant is a non-conservative amino acid substitution, which is likely to impact secondary protein structure as these residues differ in polarity, charge, size and/or other properties. This substitution occurs at a position that is conserved across species, and in silico analysis predicts this variant is probably damaging to the protein structure/function. The D178G variant is a strong candidate for a pathogenic variant however, the possibility it may be a rare benign variant cannot be excluded.